The following is an entry in ClinVar:

NM_032638.5(GATA2):c.449G>A (p.Gly150Glu)

Gene: GATA2 (GATA binding protein 2; minus strand). Cytogenetic location: 3q21.3.
Variant type: single nucleotide variant.
Coding change: c.449G>A on transcript NM_032638.5 (MANE Select); coding-DNA position 449, G replaced by A.
Protein change: p.Gly150Glu; replaces glycine 150 with glutamic acid.
Molecular consequence: missense variant.
Genome position (GRCh38, 1-based): chr3:128,486,149, C>T on the plus strand (G>A on the coding strand, the complement: GATA2 is on the minus strand). VCF-style: chr3-128486149-C-T. GRCh37 (hg19) VCF-style: chr3-128204992-C-T.
Other names: c.449G>A, p.Gly150Glu (NM_001145661.2, NM_001145662.1); short protein forms G150E.
Identifiers: ClinVar variation 2944731 (VCV002944731.3), dbSNP rs1173913751, ClinGen allele CA354406731.

ClinVar aggregate classification (germline): Uncertain significance (1 of 4 stars; one submission).

Conditions:
Monocytopenia with susceptibility to infections. Also called: MONOCYTOPENIA AND MYCOBACTERIAL INFECTION SYNDROME; MONOCYTOPENIA WITH SUSCEPTIBILITY TO MYCOBACTERIAL, FUNGAL, AND PAPILLOMAVIRUS INFECTIONS AND MYELODYSPLASIA; COMBINED IMMUNODEFICIENCY WITH SUSCEPTIBILITY TO MYCOBACTERIAL, VIRAL, AND FUNGAL INFECTIONS; Dendritic cell, monocyte, B lymphocyte, and natural killer lymphocyte deficiency; IMMUNODEFICIENCY 21; GATA2 DEFICIENCY. Identifiers: Orphanet 228423, MedGen C3280030, MONDO:0013607, OMIM 614172.
Deafness-lymphedema-leukemia syndrome. Also called: Lymphedema, primary, with myelodysplasia; Emberger syndrome. Identifiers: Orphanet 3226, MedGen C3279664, MONDO:0013540, OMIM 614038.

Submission:

Labcorp Genetics (formerly Invitae), Labcorp
Classification: Uncertain significance for Monocytopenia with susceptibility to infections; Deafness-lymphedema-leukemia syndrome. Last evaluated: 2025-05-05. Review status: criteria provided, single submitter. Criteria: Invitae Variant Classification Sherloc (09022015). Collection method: clinical testing. Allele origin: germline.
Comment: This sequence change replaces glycine, which is neutral and non-polar, with glutamic acid, which is acidic and polar, at codon 150 of the GATA2 protein (p.Gly150Glu). This variant is not present in population databases (gnomAD no frequency). This variant has not been reported in the literature in individuals affected with GATA2-related conditions. ClinVar contains an entry for this variant (Variation ID: 2944731). Invitae Evidence Modeling of protein sequence and biophysical properties (such as structural, functional, and spatial information, amino acid conservation, physicochemical variation, residue mobility, and thermodynamic stability) indicates that this missense variant is not expected to disrupt GATA2 protein function with a negative predictive value of 95%. In summary, the available evidence is currently insufficient to determine the role of this variant in disease. Therefore, it has been classified as a Variant of Uncertain Significance.